The following is an entry in ClinVar:

NM_000433.4(NCF2):c.501+1G>T

Gene: NCF2 (neutrophil cytosolic factor 2; minus strand). Cytogenetic location: 1q25.3.
Variant type: single nucleotide variant.
Coding change: c.501+1G>T on transcript NM_000433.4 (MANE Select); the canonical splice donor site of the intron after coding-DNA position 501, G replaced by T.
Molecular consequence: splice donor variant. On other transcripts: intron variant (2).
Genome position (GRCh38, 1-based): chr1:183,574,486, C>A on the plus strand (G>T on the coding strand, the complement: NCF2 is on the minus strand). VCF-style: chr1-183574486-C-A. GRCh37 (hg19) VCF-style: chr1-183543621-C-A.
Other names: NC_000001.10:g.183543621C>A; c.501+1G>T (NM_001410895.1, NM_001127651.3); c.366+3113G>T (NM_001190789.2); c.367-1194G>T (NM_001190794.2).
Identifiers: ClinVar variation 3764772 (VCV003764772.3).

ClinVar aggregate classification (germline): Pathogenic (1 of 4 stars; one submission).

Conditions:
Granulomatous disease, chronic, autosomal recessive, cytochrome b-positive, type 2. Also called: Chronic Granulomatous Disease, Autosomal Recessive, Cytochrome b-Positive, Type II; CGD, AUTOSOMAL RECESSIVE CYTOCHROME b-POSITIVE, TYPE II; GRANULOMATOUS DISEASE, CHRONIC, DUE TO NCF2 DEFICIENCY; Chronic granulomatous disease due to deficiency of NCF-2; GRANULOMATOUS DISEASE, CHRONIC, AUTOSOMAL RECESSIVE, 2. Identifiers: Orphanet 379, MedGen C1856245, MONDO:0009310, OMIM 233710.

Submissions (2):

Kasturba Medical College, Manipal, Kasturba Medical College, Manipal, Manipal Academy of Higher Education, Manipal, India
Classification: Pathogenic for Granulomatous disease, chronic, autosomal recessive, cytochrome b-positive, type 2. Review status: criteria provided, single submitter. Criteria: ACMG Guidelines, 2015. Collection method: research. Allele origin: germline. Inheritance: Autosomal recessive inheritance. Affected: yes. Observed: 1 homozygote.
Comment: This variant is not reported in gnomAD population database and our in-house database of 3421 individuals. This canonical splice-site variant is likely to result in aberrant splicing and leads to either the formation of a truncated protein product or the transcript to undergo nonsense mediated mRNA decay. The clinical features observed in the proband are in concordance with chronic granulomatous disease 2, autosomal recessive.

Dr. Peter K. Rogan Lab, Western University
No classification provided (evidence only). Condition: Thyroid cancer, nonmedullary, 1. Review status: no classification provided. Collection method: in vitro. Allele origin: not applicable. Functional consequence: retained intron. Not counted in ClinVar's aggregate classification.